The following is an entry in ClinVar:

ClinVar aggregate classification (germline): Uncertain significance (1 of 4 stars; one submission).

gnomAD v4.1: 14 of 1,613,024 alleles (0.00087%); highest among the groups gnomAD compares: Admixed American, 0.01%; no homozygotes.

Submission:

Labcorp Genetics (formerly Invitae), Labcorp
Classification: Uncertain significance. Last evaluated: 2025-12-23. Review status: criteria provided, single submitter. Criteria: Invitae Variant Classification Sherloc (09022015). Collection method: clinical testing. Allele origin: germline.
Comment: This sequence change replaces glutamic acid, which is acidic and polar, with aspartic acid, which is acidic and polar, at codon 2209 of the ZDBF2 protein (p.Glu2209Asp). This variant is present in population databases (rs753390352, gnomAD 0.01%). This variant has not been reported in the literature in individuals affected with ZDBF2-related conditions. An algorithm developed to predict the effect of missense changes on protein structure and function (PolyPhen-2) suggests that this variant is likely to be tolerated. In summary, the available evidence is currently insufficient to determine the role of this variant in disease. Therefore, it has been classified as a Variant of Uncertain Significance.

NM_020923.3(ZDBF2):c.6627G>C (p.Glu2209Asp)

Gene: ZDBF2 (zinc finger DBF-type containing 2; plus strand). Cytogenetic location: 2q33.3.
Variant type: single nucleotide variant.
Coding change: c.6627G>C on transcript NM_020923.3 (MANE Select); coding-DNA position 6627, G replaced by C.
Protein change: p.Glu2209Asp; replaces glutamic acid 2209 with aspartic acid.
Molecular consequence: missense variant.
Genome position (GRCh38, 1-based): chr2:206,311,155, G>C. VCF-style: chr2-206311155-G-C. GRCh37 (hg19) VCF-style: chr2-207175879-G-C.
Other names: c.6621G>C, p.Glu2207Asp (NM_001285549.2); c.6627G>C, p.Glu2209Asp (NM_001369654.1); short protein forms E2209D, E2207D.
Identifiers: ClinVar variation 4748378 (VCV004748378.1).
Genomic context (GRCh38, chr2:206,311,155, plus strand): 5'-TTTTCCCAAAAAGGTTTATAAACCAATTATTCTCCAGCAAAAACCCAGAAAAGCTTCAGA[G>C]AAACAGTCAATTTGGATTCGGACCAAACCAAGTGATATCATTAGAAAGTATATTTCGAAA-3'
Protein context (NP_065974.1, residues 2199-2219): ILQQKPRKAS[Glu2209Asp]KQSIWIRTKP